The following is an entry in ClinVar:

NM_025215.6(PUS1):c.545-2A>G

Gene: PUS1 (pseudouridine synthase 1; plus strand). Cytogenetic location: 12q24.33.
Variant type: single nucleotide variant.
Coding change: c.545-2A>G on transcript NM_025215.6 (MANE Select); the canonical splice acceptor site of the intron before coding-DNA position 545, A replaced by G.
Molecular consequence: splice acceptor variant.
Genome position (GRCh38, 1-based): chr12:131,941,290, A>G. VCF-style: chr12-131941290-A-G. GRCh37 (hg19) VCF-style: chr12-132425835-A-G.
Other names: c.461-2A>G (NM_001002019.3, NM_001002020.3).
Identifiers: ClinVar variation 1485081 (VCV001485081.8), dbSNP rs1399740294, ClinGen allele CA387298660.

ClinVar aggregate classification (germline): Likely pathogenic (1 of 4 stars; one submission).

Submission:

Labcorp Genetics (formerly Invitae), Labcorp
Classification: Likely pathogenic. Last evaluated: 2020-12-18. Review status: criteria provided, single submitter. Criteria: Invitae Variant Classification Sherloc (09022015). Collection method: clinical testing. Allele origin: germline.
Comment: In summary, the currently available evidence indicates that the variant is pathogenic, but additional data are needed to prove that conclusively. Therefore, this variant has been classified as Likely Pathogenic. Algorithms developed to predict the effect of sequence changes on RNA splicing suggest that this variant may disrupt the consensus splice site, but this prediction has not been confirmed by published transcriptional studies. This variant has not been reported in the literature in individuals with PUS1-related conditions. This variant is not present in population databases (ExAC no frequency). This sequence change affects an acceptor splice site in intron 4 of the PUS1 gene. It is expected to disrupt RNA splicing. Variants that disrupt the donor or acceptor splice site typically lead to a loss of protein function (PMID: 16199547), and loss-of-function variants in PUS1 are known to be pathogenic (PMID: 17056637, 19731322, 25058219, 26556812).

Literature cited by the submitters: PubMed 16199547; PubMed 17056637; PubMed 19731322; PubMed 25058219; PubMed 26556812.